The following is an entry in ClinVar:

NM_001130823.3(DNMT1):c.734C>T (p.Thr245Met)

Gene: DNMT1 (DNA methyltransferase 1; minus strand). Cytogenetic location: 19p13.2.
Variant type: single nucleotide variant.
Coding change: c.734C>T on transcript NM_001130823.3 (MANE Select); coding-DNA position 734, C replaced by T.
Protein change: p.Thr245Met; replaces threonine 245 with methionine.
Molecular consequence: missense variant.
Genome position (GRCh38, 1-based): chr19:10,173,124, G>A on the plus strand (C>T on the coding strand, the complement: DNMT1 is on the minus strand). VCF-style: chr19-10173124-G-A. GRCh37 (hg19) VCF-style: chr19-10283800-G-A.
Other names: c.686C>T, p.Thr229Met (NM_001318730.2, NM_001379.4); c.371C>T, p.Thr124Met (NM_001318731.2); c.734C>T (NM_001130823.2, LRG_362t1); short protein forms T245M, T124M, T229M.
Identifiers: ClinVar variation 498534 (VCV000498534.18), dbSNP rs143598088, ClinGen allele CA9188624.
Genomic context (GRCh38, chr19:10,173,124, plus strand): 5'-CAAACTTAGAGGTGATAGAGCTTTACTTTTTCATCTCTTTCTTCTTCCTTTTCAGTGCGC[G>A]TTCCTGATTTTGCTCTTTCAGGTTCTTCTGCAGGAAGCGGTCTAGCAACTCTGTCAAGCA-3'
Protein context (NP_001124295.1, residues 235-255): AEEPERAKSG[Thr245Met]RTEKEEERDE

ClinVar aggregate classification (germline): Conflicting classifications of pathogenicity. Review status: criteria provided, conflicting classifications (1 of 4 stars). 4 submissions from 4 submitters: Uncertain significance (2); Likely benign (2). Last evaluated 2026-02-16.

Conditions:
Inborn genetic diseases. Identifiers: MedGen C0950123, MeSH D030342.
DNMT1-related disorder. Also called: DNMT1-related condition. Identifiers: MedGen CN381527.
Hereditary sensory neuropathy-deafness-dementia syndrome. Also called: Hereditary Sensory and Autonomic Neuropathy Type 1E (HSAN1E); HSN IE; Hereditary sensory neuropathy type IE; NEUROPATHY, HEREDITARY SENSORY, WITH HEARING LOSS AND DEMENTIA. Identifiers: Orphanet 456318, MedGen C3279885, MONDO:0013584, OMIM 614116.

Allele frequency attached by ClinVar (database versions not stated): gnomAD exomes 0.00002 and 0.00005; ExAC 0.00006; gnomAD 0.00007; ESP Exome Variant Server 0.00008; TOPMed 0.00018.
gnomAD v4.1: 36 of 1,613,920 alleles (0.0022%); highest among the groups gnomAD compares: Admixed American, 0.032%; no homozygotes.

Submissions (4):

PreventionGenetics, part of Exact Sciences
Classification: Uncertain significance for DNMT1-related condition. Last evaluated: 2026-02-16. Review status: criteria provided, single submitter. Criteria: ACMG Guidelines, 2015. Collection method: clinical testing. Allele origin: germline.
Comment: The DNMT1 c.734C>T variant is predicted to result in the amino acid substitution p.Thr245Met. To our knowledge, this variant has not been reported in the literature. This variant is reported in 0.020% of alleles in individuals of African descent in gnomAD. Although we suspect that this variant may be benign, at this time, the clinical significance of this variant is uncertain due to the absence of conclusive functional and genetic evidence.

Labcorp Genetics (formerly Invitae), Labcorp
Classification: Likely benign for Hereditary sensory neuropathy-deafness-dementia syndrome. Last evaluated: 2026-01-24. Review status: criteria provided, single submitter. Criteria: Invitae Variant Classification Sherloc (09022015). Collection method: clinical testing. Allele origin: germline.

Ambry Genetics
Classification: Likely benign for Inborn genetic diseases. Last evaluated: 2020-02-11. Review status: criteria provided, single submitter. Criteria: Ambry Variant Classification Scheme 2023. Collection method: clinical testing. Allele origin: germline.

Eurofins Ntd Llc (ga)
Classification: Uncertain significance. Last evaluated: 2016-12-13. Review status: criteria provided, single submitter. Criteria: EGL Classification Definitions 2015. Collection method: clinical testing. Allele origin: germline. Observed: 1 variant allele, 1 heterozygote.